The following is an entry in ClinVar:

ClinVar aggregate classification (germline): Uncertain significance (1 of 4 stars; one submission).

Conditions:
Intellectual developmental disorder, autosomal dominant 1. Also called: MBD5 Haploinsufficiency; Intellectual disability, autosomal dominant 1. Identifiers: Orphanet 228402, MedGen C1969562, MONDO:0007974, OMIM 156200.

Submission:

Labcorp Genetics (formerly Invitae), Labcorp
Classification: Uncertain significance for Intellectual developmental disorder, autosomal dominant 1. Last evaluated: 2024-05-06. Review status: criteria provided, single submitter. Criteria: Invitae Variant Classification Sherloc (09022015). Collection method: clinical testing. Allele origin: germline.
Comment: This sequence change replaces valine, which is neutral and non-polar, with isoleucine, which is neutral and non-polar, at codon 160 of the MBD5 protein (p.Val160Ile). This variant is not present in population databases (gnomAD no frequency). This variant has not been reported in the literature in individuals affected with MBD5-related conditions. Advanced modeling of protein sequence and biophysical properties (such as structural, functional, and spatial information, amino acid conservation, physicochemical variation, residue mobility, and thermodynamic stability) performed at Invitae indicates that this missense variant is not expected to disrupt MBD5 protein function with a negative predictive value of 80%. In summary, the available evidence is currently insufficient to determine the role of this variant in disease. Therefore, it has been classified as a Variant of Uncertain Significance.

NM_001378120.1(MBD5):c.478G>A (p.Val160Ile)

Gene: MBD5 (methyl-CpG binding domain protein 5; plus strand). Cytogenetic location: 2q23.1.
Variant type: single nucleotide variant.
Coding change: c.478G>A on transcript NM_001378120.1 (MANE Select); coding-DNA position 478, G replaced by A.
Protein change: p.Val160Ile; replaces valine 160 with isoleucine.
Molecular consequence: missense variant.
Genome position (GRCh38, 1-based): chr2:148,468,421, G>A. VCF-style: chr2-148468421-G-A. GRCh37 (hg19) VCF-style: chr2-149225990-G-A.
Other names: c.478G>A, p.Val160Ile (NM_018328.5); short protein forms V160I.
Identifiers: ClinVar variation 3605035 (VCV003605035.2).
Genomic context (GRCh38, chr2:148,468,421, plus strand): 5'-TCTCGGGCAGCAACTCCAAGATCAGTAAGAAATAAGTCTCATGAAGGAATTACAAATTCT[G>A]TAATGCCTGAATGTAAGAATCCTTTCAAGTTAATGATTGGATCATCAAATGCCATGGGAA-3'
Protein context (NP_001365049.1, residues 150-170): NKSHEGITNS[Val160Ile]MPECKNPFKL